The following is an entry in ClinVar:

NM_001256789.3(CACNA1F):c.5729C>A (p.Ala1910Asp)

Gene: CACNA1F (calcium voltage-gated channel subunit alpha1 F; minus strand). Cytogenetic location: Xp11.23.
Variant type: single nucleotide variant.
Coding change: c.5729C>A on transcript NM_001256789.3 (MANE Select); coding-DNA position 5729, C replaced by A.
Protein change: p.Ala1910Asp; replaces alanine 1910 with aspartic acid.
Molecular consequence: missense variant.
Genome position (GRCh38, 1-based): chrX:49,205,309, G>T on the plus strand (C>A on the coding strand, the complement: CACNA1F is on the minus strand). VCF-style: chrX-49205309-G-T. GRCh37 (hg19) VCF-style: chrX-49061769-G-T.
Other names: c.5567C>A, p.Ala1856Asp (NM_001256790.3); c.5762C>A, p.Ala1921Asp (NM_005183.4); short protein forms A1910D, A1856D, A1921D.
Identifiers: ClinVar variation 2009329 (VCV002009329.4), dbSNP rs2520662792, ClinGen allele CA412956443.

ClinVar aggregate classification (germline): Uncertain significance (1 of 4 stars; one submission).

Allele frequency attached by ClinVar (database versions not stated): gnomAD exomes below 0.00001.
gnomAD v4.1: 2 of 1,209,681 alleles (0.00017%); highest among the groups gnomAD compares: Non-Finnish European, 0.00022%; no homozygotes.

Submission:

Labcorp Genetics (formerly Invitae), Labcorp
Classification: Uncertain significance. Last evaluated: 2022-06-22. Review status: criteria provided, single submitter. Criteria: Invitae Variant Classification Sherloc (09022015). Collection method: clinical testing. Allele origin: germline.
Comment: In summary, the available evidence is currently insufficient to determine the role of this variant in disease. Therefore, it has been classified as a Variant of Uncertain Significance. Algorithms developed to predict the effect of missense changes on protein structure and function are either unavailable or do not agree on the potential impact of this missense change (SIFT: "Deleterious"; PolyPhen-2: "Possibly Damaging"; Align-GVGD: "Class C0"). This variant has not been reported in the literature in individuals affected with CACNA1F-related conditions. This variant is not present in population databases (gnomAD no frequency). This sequence change replaces alanine, which is neutral and non-polar, with aspartic acid, which is acidic and polar, at codon 1921 of the CACNA1F protein (p.Ala1921Asp).